The following is an entry in ClinVar:

ClinVar aggregate classification (germline): Uncertain significance. Review status: criteria provided, multiple submitters, no conflicts (2 of 4 stars). 2 submissions from 2 submitters: Uncertain significance (2). Last evaluated 2025-11-26.

Conditions:
Inborn genetic diseases. Identifiers: MedGen C0950123, MeSH D030342.
Sphingolipid activator protein 1 deficiency. Also called: METACHROMATIC LEUKODYSTROPHY DUE TO CEREBROSIDE SULFATASE ACTIVATOR DEFICIENCY; Metachromatic leukodystrophy due to saposin B deficiency; Saposin B Deficiency. Identifiers: Orphanet 512, MedGen C0268262, MONDO:0009590, OMIM 249900.

Allele frequency attached by ClinVar (database versions not stated): gnomAD exomes 0.00001 and below 0.00001; 1000 Genomes Project 30x 0.00016; gnomAD 0.00001; TOPMed 0.00001; 1000 Genomes Project 0.00020; ExAC 0.00002.
gnomAD v4.1: 2 of 1,614,092 alleles (0.00012%); highest among the groups gnomAD compares: African/African-American, 0.0013%; no homozygotes.

Submissions (2):

Ambry Genetics
Classification: Uncertain significance for Inborn genetic diseases. Last evaluated: 2025-11-26. Review status: criteria provided, single submitter. Criteria: Ambry Variant Classification Scheme 2023. Collection method: clinical testing. Allele origin: germline.

Labcorp Genetics (formerly Invitae), Labcorp
Classification: Uncertain significance for Sphingolipid activator protein 1 deficiency. Last evaluated: 2021-09-17. Review status: criteria provided, single submitter. Criteria: Invitae Variant Classification Sherloc (09022015). Collection method: clinical testing. Allele origin: germline.
Comment: This sequence change replaces proline with serine at codon 394 of the PSAP protein (p.Pro394Ser). The proline residue is weakly conserved and there is a moderate physicochemical difference between proline and serine. This variant is present in population databases (rs535856610, ExAC 0.02%). This variant has not been reported in the literature in individuals affected with PSAP-related conditions. Algorithms developed to predict the effect of missense changes on protein structure and function output the following: SIFT: "Not Available"; PolyPhen-2: "Benign"; Align-GVGD: "Not Available". The serine amino acid residue is found in multiple mammalian species, which suggests that this missense change does not adversely affect protein function. In summary, the available evidence is currently insufficient to determine the role of this variant in disease. Therefore, it has been classified as a Variant of Uncertain Significance.

NM_002778.4(PSAP):c.1180C>T (p.Pro394Ser)

Gene: PSAP (prosaposin; minus strand). Cytogenetic location: 10q22.1.
Variant type: single nucleotide variant.
Coding change: c.1180C>T on transcript NM_002778.4 (MANE Select); coding-DNA position 1180, C replaced by T.
Protein change: p.Pro394Ser; replaces proline 394 with serine.
Molecular consequence: missense variant.
Genome position (GRCh38, 1-based): chr10:71,819,726, G>A on the plus strand (C>T on the coding strand, the complement: PSAP is on the minus strand). VCF-style: chr10-71819726-G-A. GRCh37 (hg19) VCF-style: chr10-73579483-G-A.
Other names: c.1189C>T, p.Pro397Ser (NM_001042465.3); c.1186C>T, p.Pro396Ser (NM_001042466.3); c.1180C>T (NM_002778.2); short protein forms P394S, P396S, P397S.
Identifiers: ClinVar variation 1449204 (VCV001449204.6), dbSNP rs535856610, ClinGen allele CA5547464.